The following is an entry in ClinVar:

ClinVar aggregate classification (germline): Benign/Likely benign. Review status: criteria provided, multiple submitters, no conflicts (2 of 4 stars). 6 submissions from 6 submitters: Benign (3); Likely benign (3). Last evaluated 2026-01-04.

Conditions:
Inborn genetic diseases. Identifiers: MedGen C0950123, MeSH D030342.
Mowat-Wilson syndrome (MOWS). Also called: Classic Mowat-Wilson Syndrome. Identifiers: Orphanet 2152, MedGen C1856113, MONDO:0009341, OMIM 235730.

Allele frequency attached by ClinVar (database versions not stated): TOPMed 0.00009; gnomAD 0.00011 and 0.00040; gnomAD exomes 0.00016 and 0.00073; ExAC 0.00023; 1000 Genomes Project 30x 0.00172; 1000 Genomes Project 0.00220.
gnomAD v4.1: 1,092 of 1,614,176 alleles (0.068%); highest among the groups gnomAD compares: East Asian, 2.4%; 20 homozygotes.

Submissions (6):

Labcorp Genetics (formerly Invitae), Labcorp
Classification: Benign for Mowat-Wilson syndrome. Last evaluated: 2026-01-04. Review status: criteria provided, single submitter. Criteria: Invitae Variant Classification Sherloc (09022015). Collection method: clinical testing. Allele origin: germline.

Genome-Nilou Lab
Classification: Benign for Mowat-Wilson syndrome. Last evaluated: 2021-11-07. Review status: criteria provided, single submitter. Criteria: ACMG Guidelines, 2015. Collection method: clinical testing. Allele origin: germline. Affected: no.

Fulgent Genetics
Classification: Likely benign for Mowat-Wilson syndrome. Last evaluated: 2021-10-18. Review status: criteria provided, single submitter. Criteria: ACMG Guidelines, 2015. Collection method: clinical testing. Allele origin: unknown.

Blueprint Genetics
Classification: Likely benign. Last evaluated: 2020-07-22. Review status: criteria provided, single submitter. Criteria: ACMG Guidelines, 2015. Collection method: clinical testing. Allele origin: germline.

Ambry Genetics
Classification: Likely benign for Inborn genetic diseases. Last evaluated: 2017-05-26. Review status: criteria provided, single submitter. Criteria: Ambry Variant Classification Scheme 2023. Collection method: clinical testing. Allele origin: germline.

GeneDx
Classification: Benign. Last evaluated: 2014-04-23. Review status: criteria provided, single submitter. Criteria: GeneDx Variant Classification (06012015). Collection method: clinical testing. Allele origin: germline. Affected: yes.
Comment: This variant is considered likely benign or benign based on one or more of the following criteria: it is a conservative change, it occurs at a poorly conserved position in the protein, it is predicted to be benign by multiple in silico algorithms, and/or has population frequency not consistent with disease.

NM_014795.4(ZEB2):c.1840C>T (p.Leu614=)

Gene: ZEB2 (zinc finger E-box binding homeobox 2; minus strand). Cytogenetic location: 2q22.3.
Variant type: single nucleotide variant.
Coding change: c.1840C>T on transcript NM_014795.4 (MANE Select); coding-DNA position 1840, C replaced by T.
Protein change: p.Leu614=; no amino-acid change (leucine 614 retained).
Molecular consequence: synonymous variant.
Genome position (GRCh38, 1-based): chr2:144,399,347, G>A on the plus strand (C>T on the coding strand, the complement: ZEB2 is on the minus strand). VCF-style: chr2-144399347-G-A. GRCh37 (hg19) VCF-style: chr2-145156914-G-A.
Other names: p.L614L:CTG>TTG; c.1768C>T, p.Leu590= (NM_001171653.2).
Identifiers: ClinVar variation 137947 (VCV000137947.21), dbSNP rs145201706, ClinGen allele CA291671.